The following is an entry in ClinVar:

ClinVar aggregate classification (germline): Uncertain significance (1 of 4 stars; one submission).

Submission:

Labcorp Genetics (formerly Invitae), Labcorp
Classification: Uncertain significance. Last evaluated: 2021-10-15. Review status: criteria provided, single submitter. Criteria: Invitae Variant Classification Sherloc (09022015). Collection method: clinical testing. Allele origin: germline.
Comment: This sequence change replaces glutamic acid with glutamine at codon 118 of the SKIV2L protein (p.Glu118Gln). The glutamic acid residue is highly conserved and there is a small physicochemical difference between glutamic acid and glutamine. This variant is not present in population databases (ExAC no frequency). This variant has not been reported in the literature in individuals affected with SKIV2L-related conditions. Algorithms developed to predict the effect of missense changes on protein structure and function are either unavailable or do not agree on the potential impact of this missense change (SIFT: "Deleterious"; PolyPhen-2: "Possibly Damaging"; Align-GVGD: "Class C0"). In summary, the available evidence is currently insufficient to determine the role of this variant in disease. Therefore, it has been classified as a Variant of Uncertain Significance.

NM_006929.5(SKIC2):c.352G>C (p.Glu118Gln)

Gene: SKIC2 (SKI2 subunit of superkiller complex; plus strand). Cytogenetic location: 6p21.33.
Variant type: single nucleotide variant.
Coding change: c.352G>C on transcript NM_006929.5 (MANE Select); coding-DNA position 352, G replaced by C.
Protein change: p.Glu118Gln; replaces glutamic acid 118 with glutamine.
Molecular consequence: missense variant.
Genome position (GRCh38, 1-based): chr6:31,960,335, G>C. VCF-style: chr6-31960335-G-C. GRCh37 (hg19) VCF-style: chr6-31928112-G-C.
Other names: short protein forms E118Q.
Identifiers: ClinVar variation 1404495 (VCV001404495.6), dbSNP rs1232274729, ClinGen allele CA363436807.